The following is an entry in ClinVar:

ClinVar aggregate classification (germline): Uncertain significance (1 of 4 stars; one submission).

Submission:

Labcorp Genetics (formerly Invitae), Labcorp
Classification: Uncertain significance. Last evaluated: 2025-09-16. Review status: criteria provided, single submitter. Criteria: Invitae Variant Classification Sherloc (09022015). Collection method: clinical testing. Allele origin: germline.
Comment: This sequence change replaces phenylalanine, which is neutral and non-polar, with leucine, which is neutral and non-polar, at codon 309 of the PPP2R1A protein (p.Phe309Leu). This variant is not present in population databases (gnomAD no frequency). This variant has not been reported in the literature in individuals affected with PPP2R1A-related conditions. Invitae Evidence Modeling of protein sequence and biophysical properties (such as structural, functional, and spatial information, amino acid conservation, physicochemical variation, residue mobility, and thermodynamic stability) indicates that this missense variant is not expected to disrupt PPP2R1A protein function with a negative predictive value of 80%. In summary, the available evidence is currently insufficient to determine the role of this variant in disease. Therefore, it has been classified as a Variant of Uncertain Significance.

NM_014225.6(PPP2R1A):c.927C>G (p.Phe309Leu)

Gene: PPP2R1A (protein phosphatase 2 scaffold subunit Aalpha; plus strand). Cytogenetic location: 19q13.41.
Variant type: single nucleotide variant.
Coding change: c.927C>G on transcript NM_014225.6 (MANE Select); coding-DNA position 927, C replaced by G.
Protein change: p.Phe309Leu; replaces phenylalanine 309 with leucine.
Molecular consequence: missense variant. On other transcripts: non-coding transcript variant (1).
Genome position (GRCh38, 1-based): chr19:52,216,008, C>G. VCF-style: chr19-52216008-C-G. GRCh37 (hg19) VCF-style: chr19-52719261-C-G.
Other names: c.390C>G, p.Phe130Leu (NM_001363656.2); short protein forms F309L, F130L.
Identifiers: ClinVar variation 4734129 (VCV004734129.1).